The following is an entry in ClinVar:

ClinVar aggregate classification (germline): Pathogenic/Likely pathogenic. Review status: criteria provided, multiple submitters, no conflicts (2 of 4 stars). 3 submissions from 3 submitters: Pathogenic (2); Likely pathogenic (1). Last evaluated 2024-08-16.

Conditions:
ROGDI-related disorder. Also called: ROGDI-related condition.
Amelocerebrohypohidrotic syndrome (KTZS). Also called: Kohlschutter's syndrome; EPILEPSY AND YELLOW TEETH; EPILEPSY, DEMENTIA, AND AMELOGENESIS IMPERFECTA; KOHLSCHUTTER SYNDROME. Identifiers: Orphanet 1946, MedGen C0406740, MONDO:0009185, OMIM 226750.

Submissions (3):

Blueprint Genetics
Classification: Likely pathogenic for ROGDI-related disorders. Last evaluated: 2024-08-16. Review status: criteria provided, single submitter. Criteria: ACMG Guidelines, 2015. Collection method: clinical testing. Allele origin: germline. Affected: yes. Observed: 1 variant allele.

Revvity Omics, Revvity
Classification: Pathogenic for Amelocerebrohypohidrotic syndrome. Last evaluated: 2020-11-07. Review status: criteria provided, single submitter. Criteria: ACMG Guidelines, 2015. Collection method: clinical testing. Allele origin: germline.

Labcorp Genetics (formerly Invitae), Labcorp
Classification: Pathogenic for Amelocerebrohypohidrotic syndrome. Last evaluated: 2019-06-04. Review status: criteria provided, single submitter. Criteria: Invitae Variant Classification Sherloc (09022015). Collection method: clinical testing. Allele origin: germline.
Comment: Loss-of-function variants in ROGDI are known to be pathogenic (PMID: 22424600, 23086778). This sequence change creates a premature translational stop signal (p.Gln114*) in the ROGDI gene. It is expected to result in an absent or disrupted protein product. This variant is not present in population databases (ExAC no frequency). This variant has not been reported in the literature in individuals with ROGDI-related disease. ClinVar contains an entry for this variant (Variation ID: 461607). For these reasons, this variant has been classified as Pathogenic.

Literature cited by the submitters: PubMed 22424600 (cited by Labcorp Genetics (formerly Invitae), Labcorp); PubMed 23086778 (cited by Labcorp Genetics (formerly Invitae), Labcorp).

NM_024589.3(ROGDI):c.340C>T (p.Gln114Ter)

Gene: ROGDI (rogdi atypical leucine zipper; minus strand). Cytogenetic location: 16p13.3.
Variant type: single nucleotide variant.
Coding change: c.340C>T on transcript NM_024589.3 (MANE Select); coding-DNA position 340, C replaced by T.
Protein change: p.Gln114Ter; replaces glutamine 114 with a stop codon.
Molecular consequence: nonsense. On other transcripts: non-coding transcript variant (1).
Genome position (GRCh38, 1-based): chr16:4,799,778, G>A on the plus strand (C>T on the coding strand, the complement: ROGDI is on the minus strand). VCF-style: chr16-4799778-G-A. GRCh37 (hg19) VCF-style: chr16-4849779-G-A.
Other names: short protein forms Q114*.
Identifiers: ClinVar variation 461607 (VCV000461607.13), dbSNP rs1555491350, ClinGen allele CA394653691.